The following is an entry in ClinVar:

NM_018129.4(PNPO):c.734C>T (p.Pro245Leu)

Gene: PNPO (pyridoxamine 5'-phosphate oxidase; plus strand). Cytogenetic location: 17q21.32.
Variant type: single nucleotide variant.
Coding change: c.734C>T on transcript NM_018129.4 (MANE Select); coding-DNA position 734, C replaced by T.
Protein change: p.Pro245Leu; replaces proline 245 with leucine.
Molecular consequence: missense variant.
Genome position (GRCh38, 1-based): chr17:47,946,730, C>T. VCF-style: chr17-47946730-C-T. GRCh37 (hg19) VCF-style: chr17-46024096-C-T.
Other names: short protein forms P245L.
Identifiers: ClinVar variation 952731 (VCV000952731.11), dbSNP rs2036016316, ClinGen allele CA400063248.

ClinVar aggregate classification (germline): Uncertain significance. Review status: criteria provided, multiple submitters, no conflicts (2 of 4 stars). 2 submissions from 2 submitters: Uncertain significance (2). Last evaluated 2019-09-10.

Conditions:
Pyridoxal phosphate-responsive seizures (PNPOD). Also called: Pyridoxine-5'-phosphate oxidase deficiency; EPILEPTIC ENCEPHALOPATHY, NEONATAL, PNPO-RELATED; SEIZURES, PYRIDOXINE-RESISTANT, PLP-SENSITIVE; Pyridoxamine 5-Prime-Phosphate Oxidase Deficiency; Pyridoxal 5'-Phosphate (PLP)-Dependent Epilepsy. Identifiers: Orphanet 79096, MedGen C1864723, MONDO:0012407, OMIM 610090. Disease mechanism: loss of function.

Submissions (2):

GeneDx
Classification: Uncertain significance. Last evaluated: 2019-09-10. Review status: criteria provided, single submitter. Criteria: GeneDx Variant Classification Process June 2021. Collection method: clinical testing. Allele origin: germline. Affected: yes.
Comment: Not observed in large population cohorts (Lek et al., 2016); In silico analysis, which includes protein predictors and evolutionary conservation, supports that this variant does not alter protein structure/function; Has not been previously published as pathogenic or benign to our knowledge

Labcorp Genetics (formerly Invitae), Labcorp
Classification: Uncertain significance for Pyridoxal phosphate-responsive seizures. Last evaluated: 2019-05-19. Review status: criteria provided, single submitter. Criteria: Invitae Variant Classification Sherloc (09022015). Collection method: clinical testing. Allele origin: germline.
Comment: This variant is not present in population databases (ExAC no frequency). This sequence change replaces proline with leucine at codon 245 of the PNPO protein (p.Pro245Leu). The proline residue is moderately conserved and there is a moderate physicochemical difference between proline and leucine. This variant has not been reported in the literature in individuals with PNPO-related conditions. Algorithms developed to predict the effect of missense changes on protein structure and function (SIFT, PolyPhen-2, Align-GVGD) all suggest that this variant is likely to be tolerated, but these predictions have not been confirmed by published functional studies and their clinical significance is uncertain. In summary, the available evidence is currently insufficient to determine the role of this variant in disease. Therefore, it has been classified as a Variant of Uncertain Significance.